The following is an entry in ClinVar:

NM_002772.3(TMPRSS15):c.2033-1G>C

Gene: TMPRSS15 (transmembrane serine protease 15; minus strand). Cytogenetic location: 21q21.1.
Variant type: single nucleotide variant.
Coding change: c.2033-1G>C on transcript NM_002772.3 (MANE Select); the canonical splice acceptor site of the intron before coding-DNA position 2033, G replaced by C.
Molecular consequence: splice acceptor variant.
Genome position (GRCh38, 1-based): chr21:18,313,078, C>G on the plus strand (G>C on the coding strand, the complement: TMPRSS15 is on the minus strand). VCF-style: chr21-18313078-C-G. GRCh37 (hg19) VCF-style: chr21-19685395-C-G.
Identifiers: ClinVar variation 2047892 (VCV002047892.4), dbSNP rs757525993, ClinGen allele CA9984211.
Genomic context (GRCh38, chr21:18,313,078, plus strand): 5'-TGCTCTGGATTCTGAACCGCACTAAACCATTGTTGTTCGTTGTGCCATTGAAAAAACGCA[C>G]TAAAGACACAGAGAGCATAATGGTAGTTACCAGAGACTGAAGGGTGCGGAGTATGGGAAG-3'

ClinVar aggregate classification (germline): Likely pathogenic (1 of 4 stars; one submission).

Allele frequency attached by ClinVar (database versions not stated): gnomAD 0.00001.
gnomAD v4.1: 6 of 1,611,040 alleles (0.00037%); highest among the groups gnomAD compares: Admixed American, 0.0083%; no homozygotes.

Submission:

Labcorp Genetics (formerly Invitae), Labcorp
Classification: Likely pathogenic. Last evaluated: 2022-09-07. Review status: criteria provided, single submitter. Criteria: Invitae Variant Classification Sherloc (09022015). Collection method: clinical testing. Allele origin: germline.
Comment: Algorithms developed to predict the effect of sequence changes on RNA splicing suggest that this variant may disrupt the consensus splice site. This sequence change affects an acceptor splice site in intron 17 of the TMPRSS15 gene. It is expected to disrupt RNA splicing. Variants that disrupt the donor or acceptor splice site typically lead to a loss of protein function (PMID: 16199547), and loss-of-function variants in TMPRSS15 are known to be pathogenic (PMID: 11719902). This variant is present in population databases (rs757525993, gnomAD 0.01%). This variant has not been reported in the literature in individuals affected with TMPRSS15-related conditions. In summary, the currently available evidence indicates that the variant is pathogenic, but additional data are needed to prove that conclusively. Therefore, this variant has been classified as Likely Pathogenic.

Literature cited by the submitters: PubMed 16199547; PubMed 11719902.